The following is an entry in ClinVar:

NM_007294.4(BRCA1):c.778A>T (p.Lys260Ter)

Gene: BRCA1 (BRCA1 DNA repair associated; minus strand). Cytogenetic location: 17q21.31.
Variant type: single nucleotide variant.
Coding change: c.778A>T on transcript NM_007294.4 (MANE Select); coding-DNA position 778, A replaced by T.
Protein change: p.Lys260Ter; replaces lysine 260 with a stop codon.
Molecular consequence: nonsense. On other transcripts: non-coding transcript variant (1).
Genome position (GRCh38, 1-based): chr17:43,094,753, T>A on the plus strand (A>T on the coding strand, the complement: BRCA1 is on the minus strand). VCF-style: chr17-43094753-T-A. GRCh37 (hg19) VCF-style: chr17-41246770-T-A.
Other names: c.514A>T, p.Lys172Ter (NM_001407922.1, NM_001407923.1, NM_001407924.1 and 15 more transcripts); c.511A>T, p.Lys171Ter (NM_001407930.1, NM_001407931.1, NM_001407932.1 and 5 more transcripts); c.655A>T, p.Lys219Ter (NM_001407937.1, NM_001407938.1, NM_001407939.1 and 34 more transcripts); c.652A>T, p.Lys218Ter (NM_001407940.1, NM_001407941.1, NM_001408432.1 and 20 more transcripts); c.637A>T, p.Lys213Ter (NM_001407942.1, NM_001407944.1, NM_001407945.1 and 43 more transcripts); c.634A>T, p.Lys212Ter (NM_001407943.1, NM_001407964.1, NM_001408462.1 and 26 more transcripts); c.445A>T, p.Lys149Ter (NM_001407946.1, NM_001407947.1, NM_001407948.1 and 7 more transcripts); c.442A>T, p.Lys148Ter (NM_001407954.1, NM_001407955.1, NM_001407956.1 and 3 more transcripts); and 14 more; short protein forms K213*, K260*, K133*, K212*, K259*, K92*, K148*, K149*.
Identifiers: ClinVar variation 850337 (VCV000850337.14), dbSNP rs786202263, ClinGen allele CA10600524.

ClinVar aggregate classification (germline): Pathogenic. Review status: criteria provided, multiple submitters, no conflicts (2 of 4 stars). 2 submissions from 2 submitters: Pathogenic (2). Last evaluated 2020-03-19.

Conditions:
Hereditary cancer-predisposing syndrome. Also called: Tumor predisposition; Neoplastic Syndromes, Hereditary; Hereditary neoplastic syndrome; Hereditary Cancer Syndrome. Identifiers: Orphanet 140162, MedGen C0027672, MeSH D009386, MONDO:0015356.
Hereditary breast ovarian cancer syndrome. Also called: Hereditary breast and ovarian cancer syndrome; Breast and ovarian cancer; Hereditary breast and/or ovarian cancer syndrome; Hereditary breast and ovarian cancer; BRCA1- and BRCA2-Associated Hereditary Breast and Ovarian Cancer; Hereditary breast and ovarian cancer syndrome (HBOC). Identifiers: Orphanet 145, MedGen C0677776, MeSH D061325, MONDO:0003582. Disease mechanism: loss of function.

Submissions (2):

Labcorp Genetics (formerly Invitae), Labcorp
Classification: Pathogenic for Hereditary breast ovarian cancer syndrome. Last evaluated: 2020-03-19. Review status: criteria provided, single submitter. Criteria: Invitae Variant Classification Sherloc (09022015). Collection method: clinical testing. Allele origin: germline.
Comment: This sequence change creates a premature translational stop signal (p.Lys260*) in the BRCA1 gene. It is expected to result in an absent or disrupted protein product. This variant is not present in population databases (ExAC no frequency). This variant has not been reported in the literature in individuals with BRCA1-related conditions. Loss-of-function variants in BRCA1 are known to be pathogenic (PMID: 20104584). For these reasons, this variant has been classified as Pathogenic.

Ambry Genetics
Classification: Pathogenic for Hereditary cancer-predisposing syndrome. Last evaluated: 2020-02-27. Review status: criteria provided, single submitter. Criteria: Ambry Variant Classification Scheme 2023. Collection method: clinical testing. Allele origin: germline.
Comment: The p.K260* pathogenic mutation (also known as c.778A>T), located in coding exon 9 of the BRCA1 gene, results from an A to T substitution at nucleotide position 778. This changes the amino acid from a lysine to a stop codon within coding exon 9. This alteration is expected to result in loss of function by premature protein truncation or nonsense-mediated mRNA decay. As such, this alteration is interpreted as a disease-causing mutation.

Literature cited by the submitters: PubMed 20104584 (cited by Labcorp Genetics (formerly Invitae), Labcorp).